The following is an entry in ClinVar:

ClinVar aggregate classification (germline): Uncertain significance (1 of 4 stars; one submission).

Submission:

GeneDx
Classification: Uncertain significance. Last evaluated: 2022-04-07. Review status: criteria provided, single submitter. Criteria: GeneDx Variant Classification Process June 2021. Collection method: clinical testing. Allele origin: germline. Affected: yes.
Comment: Not observed at significant frequency in large population cohorts (gnomAD); In silico analysis supports that this missense variant does not alter protein structure/function; Has not been previously published as pathogenic or benign to our knowledge

NM_021224.6(ZNF462):c.173A>C (p.Glu58Ala)

Gene: ZNF462 (zinc finger protein 462; plus strand). Cytogenetic location: 9q31.2.
Variant type: single nucleotide variant.
Coding change: c.173A>C on transcript NM_021224.6 (MANE Select); coding-DNA position 173, A replaced by C.
Protein change: p.Glu58Ala; replaces glutamic acid 58 with alanine.
Molecular consequence: missense variant.
Genome position (GRCh38, 1-based): chr9:106,923,556, A>C. VCF-style: chr9-106923556-A-C. GRCh37 (hg19) VCF-style: chr9-109685837-A-C.
Other names: c.173A>C, p.Glu58Ala (NM_001347997.2); short protein forms E58A.
Identifiers: ClinVar variation 1708735 (VCV001708735.2), dbSNP rs2538698643, ClinGen allele CA374381597.